The following is an entry in ClinVar:

NM_004364.5(CEBPA):c.514C>G (p.Gln172Glu)

Gene: CEBPA (CCAAT enhancer binding protein alpha; minus strand). Cytogenetic location: 19q13.11.
Variant type: single nucleotide variant.
Coding change: c.514C>G on transcript NM_004364.5 (MANE Select); coding-DNA position 514, C replaced by G.
Protein change: p.Gln172Glu; replaces glutamine 172 with glutamic acid.
Molecular consequence: missense variant.
Genome position (GRCh38, 1-based): chr19:33,301,901, G>C on the plus strand (C>G on the coding strand, the complement: CEBPA is on the minus strand). VCF-style: chr19-33301901-G-C. GRCh37 (hg19) VCF-style: chr19-33792807-G-C.
Other names: c.157C>G, p.Gln53Glu (NM_001285829.2); c.619C>G, p.Gln207Glu (NM_001287424.2); c.472C>G, p.Gln158Glu (NM_001287435.2); short protein forms Q207E, Q53E, Q158E, Q172E.
Identifiers: ClinVar variation 5034285 (VCV005034285.1).

ClinVar aggregate classification (germline): Uncertain significance (1 of 4 stars; one submission).

Conditions:
Inborn genetic diseases. Identifiers: MedGen C0950123, MeSH D030342.

Submission:

Ambry Genetics
Classification: Uncertain significance for Inborn genetic diseases. Last evaluated: 2026-07-06. Review status: criteria provided, single submitter. Criteria: Ambry Variant Classification Scheme 2023. Collection method: clinical testing. Allele origin: germline.
Comment: The p.Q172E variant (also known as c.514C>G), located in coding exon 1 of the CEBPA gene, results from a C to G substitution at nucleotide position 514. The glutamine at codon 172 is replaced by glutamic acid, an amino acid with highly similar properties. This amino acid position is conserved. In addition, this alteration is predicted to be tolerated by in silico analysis. Based on the available evidence, the clinical significance of this variant remains unclear.